The following is an entry in ClinVar:

ClinVar aggregate classification (germline): Pathogenic (1 of 4 stars; one submission).

Conditions:
Familial thoracic aortic aneurysm and aortic dissection (TAAD). Also called: Thoracic aortic aneurysms and dissections. Identifiers: Orphanet 91387, MedGen C4707243, MONDO:0019625.
Marfan syndrome (MFS). Also called: Marfan syndrome, classic; Marfan syndrome type 1; Marfan's syndrome; FBN1-Related Marfan Syndrome; MARFAN SYNDROME, TYPE I. Identifiers: Orphanet 284963, Orphanet 558, MedGen C0024796, MONDO:0007947, OMIM 154700.

Submission:

Labcorp Genetics (formerly Invitae), Labcorp
Classification: Pathogenic for Marfan syndrome; Familial thoracic aortic aneurysm and aortic dissection. Last evaluated: 2019-06-29. Review status: criteria provided, single submitter. Criteria: Invitae Variant Classification Sherloc (09022015). Collection method: clinical testing. Allele origin: germline.
Comment: This sequence change creates a premature translational stop signal (p.Tyr1186Serfs*18) in the FBN1 gene. It is expected to result in an absent or disrupted protein product. This variant is not present in population databases (ExAC no frequency). This variant has not been reported in the literature in individuals with FBN1-related conditions. Loss-of-function variants in FBN1 are known to be pathogenic (PMID: 17657824, 19293843). For these reasons, this variant has been classified as Pathogenic.

Literature cited by the submitters: PubMed 17657824; PubMed 19293843.

NM_000138.5(FBN1):c.3557del (p.Tyr1186fs)

Gene: FBN1 (fibrillin 1; minus strand). Cytogenetic location: 15q21.1.
Variant type: Deletion.
Coding change: c.3557del on transcript NM_000138.5 (MANE Select); coding-DNA position 3557, one base deleted (A; older notation c.3557delA).
Protein change: p.Tyr1186fs; shifts the reading frame from tyrosine 1186.
Molecular consequence: frameshift variant.
Genome position (GRCh38, 1-based): chr15:48,487,107, T deleted on the plus strand (A on the coding strand, the reverse complement: FBN1 is on the minus strand). VCF-style (leftmost placement, unchanged base first): chr15-48487106-GT-G. GRCh37 (hg19) VCF-style: chr15-48779303-GT-G.
Other names: short protein forms Y1186fs.
Identifiers: ClinVar variation 942747 (VCV000942747.7), dbSNP rs2043514354, ClinGen allele CA1139663897.